The following is an entry in ClinVar:

ClinVar aggregate classification (germline): Uncertain significance. Review status: criteria provided, multiple submitters, no conflicts (2 of 4 stars). 3 submissions from 3 submitters: Uncertain significance (3). Last evaluated 2026-02-26.

Conditions:
RASA1-related disorder. Also called: RASA1-related condition.
Cardiovascular phenotype. Identifiers: MedGen CN230736.
Capillary malformation-arteriovenous malformation syndrome. Also called: Capillary malformation-arteriovenous malformation. Identifiers: Orphanet 137667, MedGen C1842180, MONDO:0012016.

Allele frequency attached by ClinVar (database versions not stated): TOPMed 0.00001; gnomAD exomes below 0.00001; ExAC 0.00001.
gnomAD v4.1: 2 of 1,614,160 alleles (0.00012%); highest among the groups gnomAD compares: African/African-American, 0.0013%; no homozygotes.

Submissions (3):

PreventionGenetics, part of Exact Sciences
Classification: Uncertain significance for RASA1-related condition. Last evaluated: 2026-02-26. Review status: criteria provided, single submitter. Criteria: ACMG Guidelines, 2015. Collection method: clinical testing. Allele origin: germline.
Comment: The RASA1 c.2977C>T variant is predicted to result in the amino acid substitution p.Arg993Cys. To our knowledge, this variant has not been reported in the literature. This variant is reported in 0.0062% of alleles in individuals of African descent in gnomAD. At this time, the clinical significance of this variant is uncertain due to the absence of conclusive functional and genetic evidence.

Ambry Genetics
Classification: Uncertain significance for Cardiovascular phenotype. Last evaluated: 2024-06-23. Review status: criteria provided, single submitter. Criteria: Ambry Variant Classification Scheme 2023. Collection method: clinical testing. Allele origin: germline.
Comment: The p.R993C variant (also known as c.2977C>T), located in coding exon 24 of the RASA1 gene, results from a C to T substitution at nucleotide position 2977. The arginine at codon 993 is replaced by cysteine, an amino acid with highly dissimilar properties. This amino acid position is conserved. In addition, the in silico prediction for this alteration is inconclusive. Based on the available evidence, the clinical significance of this variant remains unclear.

Labcorp Genetics (formerly Invitae), Labcorp
Classification: Uncertain significance for Capillary malformation-arteriovenous malformation syndrome. Last evaluated: 2022-09-11. Review status: criteria provided, single submitter. Criteria: Invitae Variant Classification Sherloc (09022015). Collection method: clinical testing. Allele origin: germline.
Comment: Algorithms developed to predict the effect of missense changes on protein structure and function (SIFT, PolyPhen-2, Align-GVGD) all suggest that this variant is likely to be disruptive. This variant has not been reported in the literature in individuals affected with RASA1-related conditions. This variant is present in population databases (rs751563679, gnomAD 0.007%). This sequence change replaces arginine, which is basic and polar, with cysteine, which is neutral and slightly polar, at codon 993 of the RASA1 protein (p.Arg993Cys). In summary, the available evidence is currently insufficient to determine the role of this variant in disease. Therefore, it has been classified as a Variant of Uncertain Significance.

NM_002890.3(RASA1):c.2977C>T (p.Arg993Cys)

Genes: CCNH (cyclin H; minus strand), RASA1 (RAS p21 protein activator 1; plus strand). Cytogenetic location: 5q14.3.
Variant type: single nucleotide variant.
Coding change: c.2977C>T on transcript NM_002890.3 (MANE Select); coding-DNA position 2977, C replaced by T.
Protein change: p.Arg993Cys; replaces arginine 993 with cysteine.
Molecular consequence: missense variant. On other transcripts: intron variant (1).
Genome position (GRCh38, 1-based): chr5:87,389,444, C>T. VCF-style: chr5-87389444-C-T. GRCh37 (hg19) VCF-style: chr5-86685261-C-T.
Other names: c.2446C>T, p.Arg816Cys (NM_022650.3); c.933+5600G>A (NM_001364075.2); c.2977C>T (NM_002890.2); short protein forms R816C, R993C.
Identifiers: ClinVar variation 1959209 (VCV001959209.7), dbSNP rs751563679, ClinGen allele CA3336184.